The following is an entry in ClinVar:

NM_000256.3(MYBPC3):c.105G>A (p.Arg35=)

Gene: MYBPC3 (myosin binding protein C3; minus strand). Cytogenetic location: 11p11.2.
Variant type: single nucleotide variant.
Coding change: c.105G>A on transcript NM_000256.3 (MANE Select); coding-DNA position 105, G replaced by A.
Protein change: p.Arg35=; no amino-acid change (arginine 35 retained).
Molecular consequence: synonymous variant.
Genome position (GRCh38, 1-based): chr11:47,351,426, C>T on the plus strand (G>A on the coding strand, the complement: MYBPC3 is on the minus strand). VCF-style: chr11-47351426-C-T. GRCh37 (hg19) VCF-style: chr11-47372977-C-T.
Identifiers: ClinVar variation 1597937 (VCV001597937.9), dbSNP rs2142869770, ClinGen allele CA474429810.

ClinVar aggregate classification (germline): Likely benign. Review status: criteria provided, multiple submitters, no conflicts (2 of 4 stars). 3 submissions from 3 submitters: Likely benign (3). Last evaluated 2024-05-30.

Conditions:
Hypertrophic cardiomyopathy. Also called: HYPERTROPHIC MYOCARDIOPATHY. Identifiers: Orphanet 217569, MedGen C0007194, MeSH D002312, MONDO:0005045, HP:0001639.
Cardiomyopathy (CMYO). Also called: Cardiomyopathies. Identifiers: Orphanet 167848, MedGen C0878544, MONDO:0004994, HP:0001638. Inheritance: Various modes of inheritance.

gnomAD v4.1: 1 of 1,610,246 alleles (0.000062%); highest among the groups gnomAD compares: Non-Finnish European, 0.000085%; no homozygotes.

Submissions (3):

All of Us Research Program, National Institutes of Health
Classification: Likely benign for Hypertrophic cardiomyopathy. Last evaluated: 2024-05-30. Review status: criteria provided, single submitter. Criteria: ACMG Guidelines, 2015. Collection method: clinical testing. Allele origin: germline. Inheritance: Autosomal dominant inheritance. Observed: 1 variant allele, 1 heterozygote.
Comment: This study involves interpretation of variants in research participants for the purpose of population health screening. Participant phenotype was not available at the time of variant classification. Additional details can be found in publication PMID: 35346344, PMCID: PMC8962531

Color Diagnostics, LLC DBA Color Health
Classification: Likely benign for Cardiomyopathy. Last evaluated: 2024-05-07. Review status: criteria provided, single submitter. Criteria: ACMG Guidelines, 2015. Collection method: clinical testing. Allele origin: germline.

Labcorp Genetics (formerly Invitae), Labcorp
Classification: Likely benign for Hypertrophic cardiomyopathy. Last evaluated: 2021-11-10. Review status: criteria provided, single submitter. Criteria: Invitae Variant Classification Sherloc (09022015). Collection method: clinical testing. Allele origin: germline.